The following is an entry in ClinVar:

ClinVar aggregate classification (germline): Conflicting classifications of pathogenicity. Review status: criteria provided, conflicting classifications (1 of 4 stars). 4 submissions from 4 submitters: Uncertain significance (2); Benign (1). 1 of the submissions does not count toward it. Last evaluated 2025-08-31.

Conditions:
MTOR-related disorder. Also called: MTOR-related condition.
Inborn genetic diseases. Identifiers: MedGen C0950123, MeSH D030342.

Allele frequency attached by ClinVar (database versions not stated): gnomAD exomes below 0.00001; TOPMed below 0.00001; gnomAD 0.00001.
gnomAD v4.1: 3 of 1,613,964 alleles (0.00019%); highest among the groups gnomAD compares: African/African-American, 0.0013%; no homozygotes.

Submissions (4):

Ambry Genetics
Classification: Uncertain significance for Inborn genetic diseases. Last evaluated: 2025-08-31. Review status: criteria provided, single submitter. Criteria: Ambry Variant Classification Scheme 2023. Collection method: clinical testing. Allele origin: germline.

GeneDx
Classification: Uncertain significance. Last evaluated: 2025-01-02. Review status: criteria provided, single submitter. Criteria: GeneDx Variant Classification Process June 2021. Collection method: clinical testing. Allele origin: germline. Affected: yes.
Comment: Not observed at significant frequency in large population cohorts (gnomAD); In silico analysis supports that this missense variant has a deleterious effect on protein structure/function; Has not been previously published as pathogenic or benign to our knowledge.

Labcorp Genetics (formerly Invitae), Labcorp
Classification: Benign. Last evaluated: 2022-08-23. Review status: criteria provided, single submitter. Criteria: Invitae Variant Classification Sherloc (09022015). Collection method: clinical testing. Allele origin: germline.

PreventionGenetics, part of Exact Sciences
Classification: Uncertain significance for MTOR-related condition. Last evaluated: 2024-02-03. Review status: no assertion criteria provided. Collection method: clinical testing. Allele origin: germline. Not counted in ClinVar's aggregate classification.
Comment: The MTOR c.3791A>G variant is predicted to result in the amino acid substitution p.Asn1264Ser. To our knowledge, this variant has not been reported in the literature or in a large population database, indicating this variant is rare. At this time, the clinical significance of this variant is uncertain due to the absence of conclusive functional and genetic evidence.

NM_004958.4(MTOR):c.3791A>G (p.Asn1264Ser)

Gene: MTOR (mechanistic target of rapamycin kinase; minus strand). Cytogenetic location: 1p36.22.
Variant type: single nucleotide variant.
Coding change: c.3791A>G on transcript NM_004958.4 (MANE Select); coding-DNA position 3791, A replaced by G.
Protein change: p.Asn1264Ser; replaces asparagine 1264 with serine.
Molecular consequence: missense variant.
Genome position (GRCh38, 1-based): chr1:11,209,322, T>C on the plus strand (A>G on the coding strand, the complement: MTOR is on the minus strand). VCF-style: chr1-11209322-T-C. GRCh37 (hg19) VCF-style: chr1-11269379-T-C.
Other names: short protein forms N1264S.
Identifiers: ClinVar variation 783153 (VCV000783153.12), dbSNP rs1010121578, ClinGen allele CA17915872.